The following is an entry in ClinVar:

NM_007055.4(POLR3A):c.1737del (p.Val581fs)

Gene: POLR3A (RNA polymerase III subunit A; minus strand). Cytogenetic location: 10q22.3.
Variant type: Deletion.
Coding change: c.1737del on transcript NM_007055.4 (MANE Select); coding-DNA position 1737, one base deleted (T; older notation c.1737delT).
Protein change: p.Val581fs; shifts the reading frame from valine 581.
Molecular consequence: frameshift variant.
Genome position (GRCh38, 1-based): chr10:78,009,897, A deleted on the plus strand (T on the coding strand, the reverse complement: POLR3A is on the minus strand); the first of 2 consecutive A bases (chr10:78,009,897-78,009,898); deleting either gives the same sequence. VCF-style (leftmost placement, unchanged base first): chr10-78009896-TA-T. GRCh37 (hg19) VCF-style: chr10-79769654-TA-T.
Other names: short protein forms V581fs.
Identifiers: ClinVar variation 4721073 (VCV004721073.1).

ClinVar aggregate classification (germline): Pathogenic (1 of 4 stars; one submission).

Submission:

Labcorp Genetics (formerly Invitae), Labcorp
Classification: Pathogenic. Last evaluated: 2025-12-23. Review status: criteria provided, single submitter. Criteria: Invitae Variant Classification Sherloc (09022015). Collection method: clinical testing. Allele origin: germline.
Comment: This sequence change creates a premature translational stop signal (p.Val581Phefs*9) in the POLR3A gene. It is expected to result in an absent or disrupted protein product. Loss-of-function variants in POLR3A are known to be pathogenic (PMID: 21855841, 25339210, 27612211, 30414627, 30450527). This variant is not present in population databases (gnomAD no frequency). This variant has not been reported in the literature in individuals affected with POLR3A-related conditions. For these reasons, this variant has been classified as Pathogenic.

Literature cited by the submitters: PubMed 21855841; PubMed 25339210; PubMed 27612211; PubMed 30414627; PubMed 30450527.